The following is an entry in ClinVar:

ClinVar aggregate classification (germline): Uncertain significance. Review status: criteria provided, multiple submitters, no conflicts (2 of 4 stars). 3 submissions from 3 submitters: Uncertain significance (3). Last evaluated 2022-02-08.

Conditions:
Autosomal recessive ataxia, Beauce type. Also called: Spinocerebellar ataxia, autosomal recessive 8; ATAXIA, RECESSIVE, OF BEAUCE; SYNE1 Deficiency; SYNE1-Related Autosomal Recessive Cerebellar Ataxia. Identifiers: Orphanet 88644, MedGen C1853116, MONDO:0012549, OMIM 610743.
Emery-Dreifuss muscular dystrophy 4, autosomal dominant (EDMD4). Also called: EMERY-DREIFUSS MUSCULAR DYSTROPHY 4 WITH VARIABLE FEATURES. Identifiers: Orphanet 261, MedGen C2751807, MONDO:0013071, OMIM 612998.

Allele frequency attached by ClinVar (database versions not stated): gnomAD 0.00001 and 0.00002; gnomAD exomes 0.00001 and 0.00002; ExAC 0.00002; TOPMed 0.00002.
gnomAD v4.1: 16 of 1,614,074 alleles (0.00099%); highest among the groups gnomAD compares: East Asian, 0.0045%; no homozygotes.

Submissions (3):

Labcorp Genetics (formerly Invitae), Labcorp
Classification: Uncertain significance for Emery-Dreifuss muscular dystrophy 4, autosomal dominant; Autosomal recessive ataxia, Beauce type. Last evaluated: 2022-02-08. Review status: criteria provided, single submitter. Criteria: Invitae Variant Classification Sherloc (09022015). Collection method: clinical testing. Allele origin: germline.
Comment: In summary, the available evidence is currently insufficient to determine the role of this variant in disease. Therefore, it has been classified as a Variant of Uncertain Significance. This sequence change replaces arginine, which is basic and polar, with histidine, which is basic and polar, at codon 7939 of the SYNE1 protein (p.Arg7939His). Algorithms developed to predict the effect of missense changes on protein structure and function output the following: SIFT: "Tolerated"; PolyPhen-2: "Benign"; Align-GVGD: "Class C0". The histidine amino acid residue is found in multiple mammalian species, which suggests that this missense change does not adversely affect protein function. ClinVar contains an entry for this variant (Variation ID: 289170). This variant has not been reported in the literature in individuals affected with SYNE1-related conditions. This variant is present in population databases (rs776221173, gnomAD 0.004%).

Revvity Omics, Revvity
Classification: Uncertain significance. Last evaluated: 2020-05-01. Review status: criteria provided, single submitter. Criteria: ACMG Guidelines, 2015. Collection method: clinical testing. Allele origin: germline.

Eurofins Ntd Llc (ga)
Classification: Uncertain significance. Last evaluated: 2017-01-03. Review status: criteria provided, single submitter. Criteria: EGL Classification Definitions 2015. Collection method: clinical testing. Allele origin: germline. Observed: 2 variant alleles, 2 heterozygotes.

NM_182961.4(SYNE1):c.24029G>A (p.Arg8010His)

Gene: SYNE1 (spectrin repeat containing nuclear envelope protein 1; minus strand). Cytogenetic location: 6q25.2.
Variant type: single nucleotide variant.
Coding change: c.24029G>A on transcript NM_182961.4 (MANE Select); coding-DNA position 24029, G replaced by A.
Protein change: p.Arg8010His; replaces arginine 8010 with histidine.
Molecular consequence: missense variant.
Genome position (GRCh38, 1-based): chr6:152,154,992, C>T on the plus strand (G>A on the coding strand, the complement: SYNE1 is on the minus strand). VCF-style: chr6-152154992-C-T. GRCh37 (hg19) VCF-style: chr6-152476127-C-T.
Other names: c.23816G>A (NM_033071.3); c.635G>A, p.Arg212His (NM_001347701.2); c.494G>A, p.Arg165His (NM_001347702.2); c.23816G>A, p.Arg7939His (NM_033071.5); short protein forms R7939H, R8010H, R165H, R212H.
Identifiers: ClinVar variation 289170 (VCV000289170.16), dbSNP rs776221173, ClinGen allele CA4053275.
Genomic context (GRCh38, chr6:152,154,992, plus strand): 5'-ACCCCAGAAGAGCTGGGAAAAGCAGCTGTCCTTTCTGAAGACTTCAGCCAATCTTCAAAA[C>T]GTGAATAGTCATCCAGAAATTTCTGCCACAATCGCCACGTCTCTTCGATTCTGGGGCGGA-3'
Protein context (NP_892006.3, residues 8000-8020): LWQKFLDDYS[Arg8010His]FEDWLKSSER